The following is an entry in ClinVar:

ClinVar aggregate classification (germline): Uncertain significance (1 of 4 stars; one submission).

Conditions:
TTN-related disorder. Also called: TTN-related disorders; TTN-related condition; TTN-related disease.

gnomAD v4.1: 14 of 1,613,858 alleles (0.00087%); highest among the groups gnomAD compares: Non-Finnish European, 0.0012%; no homozygotes.

Submission:

PreventionGenetics, part of Exact Sciences
Classification: Uncertain significance for TTN-related condition. Last evaluated: 2026-08-11. Review status: criteria provided, single submitter. Criteria: ACMG Guidelines, 2015. Collection method: clinical testing. Allele origin: germline.
Comment: The TTN c.10766A>T variant is predicted to result in the amino acid substitution p.Glu3589Val. To our knowledge, this variant has not been reported in the literature or in a large population database (gnomAD), indicating this variant is rare. At this time, the clinical significance of this variant is uncertain due to the absence of conclusive functional and genetic evidence.

NM_001267550.2(TTN):c.10766A>T (p.Glu3589Val)

Gene: TTN (titin; minus strand). Cytogenetic location: 2q31.2.
Variant type: single nucleotide variant.
Coding change: c.10766A>T on transcript NM_001267550.2 (MANE Select); coding-DNA position 10766, A replaced by T.
Protein change: p.Glu3589Val; replaces glutamic acid 3589 with valine.
Molecular consequence: missense variant. On other transcripts: intron variant (5).
Genome position (GRCh38, 1-based): chr2:178,756,710, T>A on the plus strand (A>T on the coding strand, the complement: TTN is on the minus strand). VCF-style: chr2-178756710-T-A. GRCh37 (hg19) VCF-style: chr2-179621437-T-A.
Other names: c.10253A>T, p.Glu3418Val (NM_133437.4); c.10165+2274A>T (NM_003319.4); c.10540+832A>T (NM_133432.3); c.10303+2274A>T (NM_133378.4, NM_001256850.1, NM_133379.5); short protein forms E3589V, E3418V.
Identifiers: ClinVar variation 4986252 (VCV004986252.1).
Genomic context (GRCh38, chr2:178,756,710, plus strand): 5'-TCATATTCATATGATGATCCTTGAAATGACTTAATTTCCTTTTGAGATATTTTGCTCTCC[T>A]CCTTTGTGAAAGAGGAATCTGCCACTGCCTGGGACTTGGTGGACTCTCTTACATCTTTCC-3'
Protein context (NP_001254479.2, residues 3579-3599): QAVADSSFTK[Glu3589Val]ESKISQKEIK